The following is an entry in ClinVar:

NM_018714.3(COG1):c.2125G>A (p.Val709Ile)

Gene: COG1 (component of oligomeric golgi complex 1; plus strand). Cytogenetic location: 17q25.1.
Variant type: single nucleotide variant.
Coding change: c.2125G>A on transcript NM_018714.3 (MANE Select); coding-DNA position 2125, G replaced by A.
Protein change: p.Val709Ile; replaces valine 709 with isoleucine.
Molecular consequence: missense variant.
Genome position (GRCh38, 1-based): chr17:73,203,051, G>A. VCF-style: chr17-73203051-G-A. GRCh37 (hg19) VCF-style: chr17-71199190-G-A.
Other names: short protein forms V709I.
Identifiers: ClinVar variation 161723 (VCV000161723.2), dbSNP rs193920973, ClinGen allele CA174667.

ClinVar aggregate classification (germline): Uncertain significance (0 of 4 stars; one submission).

Conditions:
Prostate cancer. Also called: Malignant tumor of prostate. Identifiers: Orphanet 1331, MedGen C0376358, MONDO:0008315, HP:0012125.

Submission:

Science for Life laboratory,  Karolinska Institutet
Classification: Uncertain significance for Malignant tumor of prostate. Review status: no assertion criteria provided. Collection method: not provided. Allele origin: somatic.
Comment: TumorID:SWE-3
ClinVar note: Converted during submission from Unknown to Uncertain significance.